The following is an entry in ClinVar:

NM_025207.5(FLAD1):c.409C>T (p.Arg137Trp)

Gene: FLAD1 (flavin adenine dinucleotide synthetase 1; plus strand). Cytogenetic location: 1q21.3.
Variant type: single nucleotide variant.
Coding change: c.409C>T on transcript NM_025207.5 (MANE Select); coding-DNA position 409, C replaced by T.
Protein change: p.Arg137Trp; replaces arginine 137 with tryptophan.
Molecular consequence: missense variant.
Genome position (GRCh38, 1-based): chr1:154,988,141, C>T. VCF-style: chr1-154988141-C-T. GRCh37 (hg19) VCF-style: chr1-154960617-C-T.
Other names: c.118C>T, p.Arg40Trp (NM_001184891.2, NM_201398.3); c.112C>T, p.Arg38Trp (NM_001184892.2); short protein forms R38W, R137W, R40W.
Identifiers: ClinVar variation 3850548 (VCV003850548.2).
Genomic context (GRCh38, chr1:154,988,141, plus strand): 5'-CTCATCTTCCCCTTCAACCCCCAGGGACACACTCAGGACACCAACACCTTCTTTCTGTGC[C>T]GGACACTGCGCTCCCTAGGGGTCCAGGTTTGCCGAGTCTCAGTTGTACCTGATGAGGTAG-3'
Protein context (NP_079483.3, residues 127-147): TQDTNTFFLC[Arg137Trp]TLRSLGVQVC

ClinVar aggregate classification (germline): Uncertain significance. Review status: criteria provided, multiple submitters, no conflicts (2 of 4 stars). 2 submissions from 2 submitters: Uncertain significance (2). Last evaluated 2025-12-22.

Conditions:
Inborn genetic diseases. Identifiers: MedGen C0950123, MeSH D030342.

gnomAD v4.1: 24 of 1,614,108 alleles (0.0015%); highest among the groups gnomAD compares: African/African-American, 0.016%; no homozygotes.

Submissions (2):

Labcorp Genetics (formerly Invitae), Labcorp
Classification: Uncertain significance. Last evaluated: 2025-12-22. Review status: criteria provided, single submitter. Criteria: Invitae Variant Classification Sherloc (09022015). Collection method: clinical testing. Allele origin: germline.
Comment: This sequence change replaces arginine, which is basic and polar, with tryptophan, which is neutral and slightly polar, at codon 137 of the FLAD1 protein (p.Arg137Trp). This variant is present in population databases (rs367959633, gnomAD 0.02%). This variant has not been reported in the literature in individuals affected with FLAD1-related conditions. ClinVar contains an entry for this variant (Variation ID: 3850548). An algorithm developed to predict the effect of missense changes on protein structure and function (PolyPhen-2) suggests that this variant is likely to be disruptive. In summary, the available evidence is currently insufficient to determine the role of this variant in disease. Therefore, it has been classified as a Variant of Uncertain Significance.

Ambry Genetics
Classification: Uncertain significance for Inborn genetic diseases. Last evaluated: 2024-12-17. Review status: criteria provided, single submitter. Criteria: Ambry Variant Classification Scheme 2023. Collection method: clinical testing. Allele origin: germline.